The following is an entry in ClinVar:

NM_000018.4(ACADVL):c.353_358del (p.Asp118_Pro119del)

Gene: ACADVL (acyl-CoA dehydrogenase very long chain; plus strand). Cytogenetic location: 17p13.1.
Variant type: Deletion.
Coding change: c.353_358del on transcript NM_000018.4 (MANE Select); coding-DNA positions 353 to 358, 6 bases deleted (ATCCCG; older notation c.353_358delATCCCG).
Protein change: p.Asp118_Pro119del.
Molecular consequence: inframe deletion.
Genome position (GRCh38, 1-based): chr17:7,220,934-7,220,939, ATCCCG deleted; deleting any 6 consecutive bases within chr17:7,220,932-7,220,939 gives the same sequence; the c. name uses the placement nearest the transcript's 3' end. VCF-style (leftmost placement, unchanged base first): chr17-7220931-ACGATCC-A. GRCh37 (hg19) VCF-style: chr17-7124250-ACGATCC-A.
Other names: c.287_292del, p.Asp96_Pro97del (NM_001033859.3); c.422_427del, p.Asp141_Pro142del (NM_001270447.2); c.125_130del, p.Asp42_Pro43del (NM_001270448.2).
Identifiers: ClinVar variation 932747 (VCV000932747.2), dbSNP rs2071181405, ClinGen allele CA1139665136.
Genomic context (GRCh38, chr17:7,220,931, plus strand): 5'-GGAGATGTTAAGCTCAAAAGGAGCCTGGATGTGGGATCCTGTGCCTTCCCCAGGAAGTGA[ACGATCC>A]CGCCAAGAATGACGCTCTGGAGATGGTGGAGGAGACCACTTGGCAGGGCCTCAAGGAGCT-3'

ClinVar aggregate classification (germline): Uncertain significance (1 of 4 stars; one submission).

Conditions:
Very long chain acyl-CoA dehydrogenase deficiency (ACADVLD). Also called: Very Long-Chain Acyl-Coenzyme A Dehydrogenase Deficiency; VLCAD Deficiency. Identifiers: Orphanet 26793, MedGen C3887523, MONDO:0008723, OMIM 201475.

Submission:

Wong Mito Lab, Molecular and Human Genetics, Baylor College of Medicine
Classification: Uncertain significance for Very long chain acyl-CoA dehydrogenase deficiency. Last evaluated: 2019-11-01. Review status: criteria provided, single submitter. Criteria: ACMG Guidelines, 2015. Collection method: clinical testing. Allele origin: germline.
Comment: The NM_000018.3:c.353_358delATCCCG (NP_000009.1:p.Asp118_Pro119del) [GRCH38: NC_000017.11:g.7220934_7220939del] variant in ACADVL gene is interpretated to be Uncertain Significance based on ACMG guidelines (PMID: 25741868). This variant has been reported. This variant meets the following evidence codes reported in the ACMG guidelines: PM1